The following is an entry in ClinVar:

NM_001042472.3(ABHD12):c.572A>G (p.Lys191Arg)

Gene: ABHD12 (abhydrolase domain containing 12, lysophospholipase; minus strand). Cytogenetic location: 20p11.21.
Variant type: single nucleotide variant.
Coding change: c.572A>G on transcript NM_001042472.3 (MANE Select); coding-DNA position 572, A replaced by G.
Protein change: p.Lys191Arg; replaces lysine 191 with arginine.
Molecular consequence: missense variant.
Genome position (GRCh38, 1-based): chr20:25,317,049, T>C on the plus strand (A>G on the coding strand, the complement: ABHD12 is on the minus strand). VCF-style: chr20-25317049-T-C. GRCh37 (hg19) VCF-style: chr20-25297685-T-C.
Other names: c.572A>G, p.Lys191Arg (NM_015600.5); short protein forms K191R.
Identifiers: ClinVar variation 1038027 (VCV001038027.8), dbSNP rs1469665660, ClinGen allele CA408456613.

ClinVar aggregate classification (germline): Uncertain significance. Review status: criteria provided, multiple submitters, no conflicts (2 of 4 stars). 2 submissions from 2 submitters: Uncertain significance (2). Last evaluated 2022-09-06.

Allele frequency attached by ClinVar (database versions not stated): gnomAD exomes below 0.00001 and 0.00001; gnomAD 0.00001; TOPMed 0.00002.
gnomAD v4.1: 8 of 1,612,882 alleles (0.0005%); highest among the groups gnomAD compares: African/African-American, 0.0027%; no homozygotes.

Submissions (2):

Labcorp Genetics (formerly Invitae), Labcorp
Classification: Uncertain significance. Last evaluated: 2022-09-06. Review status: criteria provided, single submitter. Criteria: Invitae Variant Classification Sherloc (09022015). Collection method: clinical testing. Allele origin: germline.
Comment: This sequence change replaces lysine, which is basic and polar, with arginine, which is basic and polar, at codon 191 of the ABHD12 protein (p.Lys191Arg). In summary, the available evidence is currently insufficient to determine the role of this variant in disease. Therefore, it has been classified as a Variant of Uncertain Significance. Algorithms developed to predict the effect of missense changes on protein structure and function are either unavailable or do not agree on the potential impact of this missense change (SIFT: "Tolerated"; PolyPhen-2: "Probably Damaging"; Align-GVGD: "Class C0"). ClinVar contains an entry for this variant (Variation ID: 1038027). This variant has not been reported in the literature in individuals affected with ABHD12-related conditions. This variant is present in population databases (no rsID available, gnomAD 0.006%).

Blueprint Genetics
Classification: Uncertain significance. Last evaluated: 2018-07-06. Review status: criteria provided, single submitter. Criteria: ACMG Guidelines, 2015. Collection method: clinical testing. Allele origin: germline.